The following is an entry in ClinVar:

NM_033087.4(ALG2):c.1051G>C (p.Glu351Gln)

Gene: ALG2 (ALG2 alpha-1,3/1,6-mannosyltransferase; minus strand). Cytogenetic location: 9q22.33.
Variant type: single nucleotide variant.
Coding change: c.1051G>C on transcript NM_033087.4 (MANE Select); coding-DNA position 1051, G replaced by C.
Protein change: p.Glu351Gln; replaces glutamic acid 351 with glutamine.
Molecular consequence: missense variant. On other transcripts: non-coding transcript variant (1).
Genome position (GRCh38, 1-based): chr9:99,218,134, C>G on the plus strand (G>C on the coding strand, the complement: ALG2 is on the minus strand). VCF-style: chr9-99218134-C-G. GRCh37 (hg19) VCF-style: chr9-101980416-C-G.
Other names: short protein forms E351Q.
Identifiers: ClinVar variation 1463681 (VCV001463681.8), dbSNP rs1828726794, ClinGen allele CA374226207.

ClinVar aggregate classification (germline): Uncertain significance (1 of 4 stars; one submission).

Conditions:
Congenital disorder of glycosylation, type Ii. Also called: ALG2-CDG; CDG Ii; ALG2-congenital disorder of glycosylation. Identifiers: Orphanet 79326, MedGen C1842836, MONDO:0011933, OMIM 607906.
Congenital myasthenic syndrome 14. Also called: Myasthenic syndrome, congenital, 14, with tubular aggregates. Identifiers: Orphanet 353327, Orphanet 590, MedGen C4015597, MONDO:0014543, OMIM 616228.

Allele frequency attached by ClinVar (database versions not stated): gnomAD 0.00001; TOPMed 0.00001.
gnomAD v4.1: 2 of 1,611,296 alleles (0.00012%); highest among the groups gnomAD compares: Admixed American, 0.0033%; no homozygotes.

Submission:

Labcorp Genetics (formerly Invitae), Labcorp
Classification: Uncertain significance for Congenital disorder of glycosylation, type Ii; Congenital myasthenic syndrome 14. Last evaluated: 2021-01-21. Review status: criteria provided, single submitter. Criteria: Invitae Variant Classification Sherloc (09022015). Collection method: clinical testing. Allele origin: germline.
Comment: This variant is not present in population databases (ExAC no frequency). This sequence change replaces glutamic acid with glutamine at codon 351 of the ALG2 protein (p.Glu351Gln). The glutamic acid residue is highly conserved and there is a small physicochemical difference between glutamic acid and glutamine. This variant has not been reported in the literature in individuals with ALG2-related conditions. In summary, the available evidence is currently insufficient to determine the role of this variant in disease. Therefore, it has been classified as a Variant of Uncertain Significance. Algorithms developed to predict the effect of missense changes on protein structure and function (SIFT, PolyPhen-2, Align-GVGD) all suggest that this variant is likely to be disruptive, but these predictions have not been confirmed by published functional studies and their clinical significance is uncertain.